The following is an entry in ClinVar:

ClinVar aggregate classification (germline): Uncertain significance. Review status: criteria provided, multiple submitters, no conflicts (2 of 4 stars). 2 submissions from 2 submitters: Uncertain significance (2). Last evaluated 2026-07-07.

Conditions:
Hereditary cancer-predisposing syndrome. Also called: Hereditary Cancer Syndrome; Neoplastic Syndromes, Hereditary; Hereditary neoplastic syndrome; Tumor predisposition. Identifiers: Orphanet 140162, MedGen C0027672, MeSH D009386, MONDO:0015356.
Tuberous sclerosis 1 (TSC1). Identifiers: Orphanet 805, MedGen C1854465, MONDO:0008612, OMIM 191100.

Submissions (2):

Ambry Genetics
Classification: Uncertain significance for Hereditary cancer-predisposing syndrome. Last evaluated: 2026-07-07. Review status: criteria provided, single submitter. Criteria: Ambry Variant Classification Scheme 2023. Collection method: clinical testing. Allele origin: germline.
Comment: The p.Y704N variant (also known as c.2110T>A), located in coding exon 15 of the TSC1 gene, results from a T to A substitution at nucleotide position 2110. The tyrosine at codon 704 is replaced by asparagine, an amino acid with dissimilar properties. This amino acid position is conserved. In addition, this alteration is predicted to be deleterious by in silico analysis. Based on the available evidence, the clinical significance of this variant remains unclear.

Labcorp Genetics (formerly Invitae), Labcorp
Classification: Uncertain significance for Tuberous sclerosis 1. Last evaluated: 2021-05-10. Review status: criteria provided, single submitter. Criteria: Invitae Variant Classification Sherloc (09022015). Collection method: clinical testing. Allele origin: germline.
Comment: This sequence change replaces tyrosine with asparagine at codon 704 of the TSC1 protein (p.Tyr704Asn). The tyrosine residue is highly conserved and there is a large physicochemical difference between tyrosine and asparagine. In summary, the available evidence is currently insufficient to determine the role of this variant in disease. Therefore, it has been classified as a Variant of Uncertain Significance. Algorithms developed to predict the effect of missense changes on protein structure and function are either unavailable or do not agree on the potential impact of this missense change (SIFT: "Deleterious"; PolyPhen-2: "Probably Damaging"; Align-GVGD: "Class C0"). This variant has not been reported in the literature in individuals with TSC1-related conditions. This variant is not present in population databases (ExAC no frequency).

NM_000368.5(TSC1):c.2110T>A (p.Tyr704Asn)

Gene: TSC1 (TSC complex subunit 1; minus strand). Cytogenetic location: 9q34.13.
Variant type: single nucleotide variant.
Coding change: c.2110T>A on transcript NM_000368.5 (MANE Select); coding-DNA position 2110, T replaced by A.
Protein change: p.Tyr704Asn; replaces tyrosine 704 with asparagine.
Molecular consequence: missense variant.
Genome position (GRCh38, 1-based): chr9:132,903,749, A>T on the plus strand (T>A on the coding strand, the complement: TSC1 is on the minus strand). VCF-style: chr9-132903749-A-T. GRCh37 (hg19) VCF-style: chr9-135779136-A-T.
Other names: c.2107T>A, p.Tyr703Asn (NM_001162426.2); c.1957T>A, p.Tyr653Asn (NM_001162427.2); c.1747T>A, p.Tyr583Asn (NM_001362177.2); c.2110T>A (NM_000368.4); short protein forms Y653N, Y583N, Y704N, Y703N.
Identifiers: ClinVar variation 1426996 (VCV001426996.9), dbSNP rs2131767728, ClinGen allele CA375361033.